The following is an entry in ClinVar:

NM_000038.6(APC):c.223C>T (p.Leu75Phe)

Gene: APC (APC regulator of Wnt signaling pathway; plus strand). Cytogenetic location: 5q22.2.
Variant type: single nucleotide variant.
Coding change: c.223C>T on transcript NM_000038.6 (MANE Select); coding-DNA position 223, C replaced by T.
Protein change: p.Leu75Phe; replaces leucine 75 with phenylalanine.
Molecular consequence: missense variant. On other transcripts: 5 prime UTR variant (1).
Genome position (GRCh38, 1-based): chr5:112,767,191, C>T. VCF-style: chr5-112767191-C-T. GRCh37 (hg19) VCF-style: chr5-112102888-C-T.
Other names: c.223C>T, p.Leu75Phe (NM_001127510.3, NM_001354895.2, NM_001354896.2 and 2 more transcripts); c.253C>T, p.Leu85Phe (NM_001127511.3, NM_001354897.2, NM_001354902.2); c.148C>T, p.Leu50Phe (NM_001354898.2, NM_001354904.2); c.46C>T, p.Leu16Phe (NM_001354900.2, NM_001354901.2, NM_001354905.2); c.-813C>T (NM_001354906.2); short protein forms L85F, L75F, L50F, L16F.
Identifiers: ClinVar variation 628389 (VCV000628389.9), dbSNP rs760790156, ClinGen allele CA16021829.
Genomic context (GRCh38, chr5:112,767,191, plus strand): 5'-AATATTTTAGACTGCTTAAAGCAATTGTTGTATAAAAACTTGTTTCTATTTTATTTAGAG[C>T]TTAACTTAGATAGCAGTAATTTCCCTGGAGTAAAACTGCGGTCAAAAATGTCCCTCCGTT-3'
Protein context (NP_000029.2, residues 65-85): QIDLLERLKE[Leu75Phe]NLDSSNFPGV

ClinVar aggregate classification (germline): Uncertain significance. Review status: criteria provided, multiple submitters, no conflicts (2 of 4 stars). 2 submissions from 2 submitters: Uncertain significance (2). Last evaluated 2024-05-29.

Conditions:
Hereditary cancer-predisposing syndrome. Also called: Neoplastic Syndromes, Hereditary; Tumor predisposition; Hereditary neoplastic syndrome; Hereditary Cancer Syndrome. Identifiers: Orphanet 140162, MedGen C0027672, MeSH D009386, MONDO:0015356.
Familial adenomatous polyposis 1 (FAP1). Also called: POLYPOSIS, ADENOMATOUS INTESTINAL; FAMILIAL ADENOMATOUS POLYPOSIS 1, ATTENUATED. Identifiers: MedGen C2713442, MONDO:0021056, OMIM 175100. Disease mechanism: loss of function.

Submissions (2):

Labcorp Genetics (formerly Invitae), Labcorp
Classification: Uncertain significance for Familial adenomatous polyposis 1. Last evaluated: 2024-05-29. Review status: criteria provided, single submitter. Criteria: Invitae Variant Classification Sherloc (09022015). Collection method: clinical testing. Allele origin: germline.
Comment: This sequence change replaces leucine, which is neutral and non-polar, with phenylalanine, which is neutral and non-polar, at codon 75 of the APC protein (p.Leu75Phe). This variant is not present in population databases (gnomAD no frequency). This variant has not been reported in the literature in individuals affected with APC-related conditions. ClinVar contains an entry for this variant (Variation ID: 628389). Algorithms developed to predict the effect of missense changes on protein structure and function output the following: SIFT: "Not Available"; PolyPhen-2: "Benign"; Align-GVGD: "Not Available". The phenylalanine amino acid residue is found in multiple mammalian species, which suggests that this missense change does not adversely affect protein function. In summary, the available evidence is currently insufficient to determine the role of this variant in disease. Therefore, it has been classified as a Variant of Uncertain Significance.

Color Diagnostics, LLC DBA Color Health
Classification: Uncertain significance for Hereditary cancer-predisposing syndrome. Last evaluated: 2019-05-30. Review status: criteria provided, single submitter. Criteria: ACMG Guidelines, 2015. Collection method: clinical testing. Allele origin: germline.